The following is an entry in ClinVar:

NM_020911.2(PLXNA4):c.765C>T (p.Tyr255=)

Gene: PLXNA4 (plexin A4; minus strand). Cytogenetic location: 7q32.3.
Variant type: single nucleotide variant.
Coding change: c.765C>T on transcript NM_020911.2 (MANE Select); coding-DNA position 765, C replaced by T.
Protein change: p.Tyr255=; no amino-acid change (tyrosine 255 retained).
Molecular consequence: synonymous variant.
Genome position (GRCh38, 1-based): chr7:132,507,929, G>A on the plus strand (C>T on the coding strand, the complement: PLXNA4 is on the minus strand). VCF-style: chr7-132507929-G-A. GRCh37 (hg19) VCF-style: chr7-132192688-G-A.
Other names: c.765C>T, p.Tyr255= (NM_001105543.2, NM_001393897.1, NM_181775.4).
Identifiers: ClinVar variation 3353917 (VCV003353917.1).

ClinVar aggregate classification (germline): Likely benign (0 of 4 stars; one submission).

Conditions:
PLXNA4-related disorder. Also called: PLXNA4-related condition.

gnomAD v4.1: 6 of 1,614,052 alleles (0.00037%); highest among the groups gnomAD compares: African/African-American, 0.0067%; no homozygotes.

Submission:

PreventionGenetics, part of Exact Sciences
Classification: Likely benign for PLXNA4-related condition. Last evaluated: 2024-06-28. Review status: no assertion criteria provided. Collection method: clinical testing. Allele origin: germline.
Comment: This variant is classified as likely benign based on ACMG/AMP sequence variant interpretation guidelines (Richards et al. 2015 PMID: 25741868, with internal and published modifications).